The following is an entry in ClinVar:

ClinVar aggregate classification (germline): Pathogenic (1 of 4 stars; one submission).

Conditions:
Hereditary angioedema type 1 (HAE1). Identifiers: Orphanet 100050, Orphanet 100051, Orphanet 91378, MedGen C2717906, MONDO:0015053, OMIM 106100.

Submission:

DNA-diagnostics Laboratory, Research Centre For Medical Genetics
Classification: Pathogenic for Hereditary angioedema type 1. Last evaluated: 2024-07-21. Review status: criteria provided, single submitter. Criteria: ACMG Guidelines, 2015. Collection method: research. Allele origin: germline. Inheritance: Autosomal dominant inheritance. Affected: yes. Observed: 1 heterozygote.
Comment: The pathogenic or likely pathogenic SERPING1 gene variants are detected in >90% of the HAE1/2 families and in >80% of the total HAE families (e.g., DOI: 10.1016/j.molimm.2008.05.007, 10.1159/2F000138883, 10.1016/j.molimm.2011.07.010). The same variant has previously been reported in 1 HAE1/2 family case and 1 HAE1/2 patient with an unknown family HAE history (DOI: 10.1016/j.molimm.2008.05.007, 10.1111/all.15034). Such in silico algorithms as BayesDel, MutPred, REVEL support a deleterious effect of the c.971T>G variant with Moderate evidence of pathogenicity, when choosing at least two identical assessments and using the threshold ranges from ClinGen recommendations (DOI: 10.1016/j.ajhg.2022.10.013). Extensive and comparative in vitro studies of 6 functional parameters, including secretion potential, intra-cellular solubility, protease complex formation, and trans-acting impact on normal C1INH have indicated that the c.971T>G variant exhibits a dominant-negative variant like behavior and characterized by low secretion, but with the capacity to change the intracellular distribution of normal C1INH protein (increasing its presence in the insoluble fraction) without inducing detectable formation of C1INH foci. (DOI: 10.1016/j.jaci.2023.04.023). According to our observation and the published information the c.971T>G variant in SERPING1 meets ACMG/ClinGen SVI guidance criteria to be classified as pathogenic: PP4_Str, PP3_Mod, PS4_Mod, PS3_Sup, PM2_Sup, PP2

Literature cited by the submitters: DOI 10.1111/all.15034; DOI 10.1016/j.molimm.2008.05.007; DOI 10.1016/j.jaci.2023.04.023.

NM_000062.3(SERPING1):c.971T>G (p.Met324Arg)

Gene: SERPING1 (serpin family G member 1; plus strand). Cytogenetic location: 11q12.1.
Variant type: single nucleotide variant.
Coding change: c.971T>G on transcript NM_000062.3 (MANE Select); coding-DNA position 971, T replaced by G.
Protein change: p.Met324Arg; replaces methionine 324 with arginine.
Molecular consequence: missense variant.
Genome position (GRCh38, 1-based): chr11:57,606,489, T>G. VCF-style: chr11-57606489-T-G. GRCh37 (hg19) VCF-style: chr11-57373962-T-G.
Other names: c.971T>G, p.Met324Arg (NM_001032295.2); short protein forms M324R.
Identifiers: ClinVar variation 3255496 (VCV003255496.3), dbSNP rs2495442432.